The following is an entry in ClinVar:

ClinVar aggregate classification (germline): Pathogenic/Likely pathogenic. Review status: criteria provided, multiple submitters, no conflicts (2 of 4 stars). 2 submissions from 2 submitters: Pathogenic (1); Likely pathogenic (1). Last evaluated 2023-11-14.

Conditions:
Dilated cardiomyopathy 1G (CMD1G). Identifiers: Orphanet 154, MedGen C1858763, MONDO:0011400, OMIM 604145.
Autosomal recessive limb-girdle muscular dystrophy type 2J (LGMDR10). Also called: MUSCULAR DYSTROPHY, LIMB-GIRDLE, AUTOSOMAL RECESSIVE 10; Limb-girdle muscular dystrophy, type 2J. Identifiers: Orphanet 140922, MedGen C1837342, MONDO:0012127, OMIM 608807.

Submissions (2):

Labcorp Genetics (formerly Invitae), Labcorp
Classification: Likely pathogenic for Dilated cardiomyopathy 1G; Autosomal recessive limb-girdle muscular dystrophy type 2J. Last evaluated: 2023-11-14. Review status: criteria provided, single submitter. Criteria: Invitae Variant Classification Sherloc (09022015). Collection method: clinical testing. Allele origin: germline.
Comment: This sequence change creates a premature translational stop signal (p.Ile26602Metfs*2) in the TTN gene. While this is not anticipated to result in nonsense mediated decay, it is expected to create a truncated TTN protein. This variant is not present in population databases (gnomAD no frequency). This variant has not been reported in the literature in individuals affected with TTN-related conditions. ClinVar contains an entry for this variant (Variation ID: 202474). This variant is located in the A band of TTN (PMID: 25589632). Truncating variants in this region are significantly overrepresented in patients affected with dilated cardiomyopathy (PMID: 25589632). Truncating variants in this region have also been reported in individuals affected with autosomal recessive centronuclear myopathy (PMID: 23975875). In summary, the currently available evidence indicates that the variant is pathogenic, but additional data are needed to prove that conclusively. Therefore, this variant has been classified as Likely Pathogenic.

GeneDx
Classification: Pathogenic. Last evaluated: 2020-10-26. Review status: criteria provided, single submitter. Criteria: GeneDx Variant Classification Process June 2021. Collection method: clinical testing. Allele origin: germline. Affected: yes.
Comment: Has not been previously published as pathogenic or benign to our knowledge; Frameshift variant predicted to result in protein truncation or nonsense mediated decay in a gene for which loss-of-function is a known mechanism of disease; Not observed in large population cohorts (Lek et al., 2016)

Literature cited by the submitters: PubMed 25589632 (cited by Labcorp Genetics (formerly Invitae), Labcorp); PubMed 23975875 (cited by Labcorp Genetics (formerly Invitae), Labcorp).

NM_001267550.2(TTN):c.79806_79809del (p.Ile26602fs)

Genes: TTN-AS1 (TTN antisense RNA 1; plus strand), TTN (titin; minus strand). Cytogenetic location: 2q31.2.
Variant type: Deletion.
Coding change: c.79806_79809del on transcript NM_001267550.2 (MANE Select); coding-DNA positions 79806 to 79809, 4 bases deleted (TGTT; older notation c.79806_79809delTGTT).
Protein change: p.Ile26602fs; shifts the reading frame from isoleucine 26602.
Molecular consequence: frameshift variant.
Genome position (GRCh38, 1-based): chr2:178,566,323-178,566,326, AACA deleted on the plus strand (TGTT on the coding strand, the reverse complement: TTN is on the minus strand); deleting any 4 consecutive bases within chr2:178,566,323-178,566,327 gives the same sequence; the c. name uses the placement nearest the transcript's 3' end. VCF-style (leftmost placement, unchanged base first): chr2-178566322-CAACA-C. GRCh37 (hg19) VCF-style: chr2-179431049-CAACA-C.
Other names: c.74883_74886delTGTT (NM_001256850.1); c.74883_74886del, p.Ile24961fs (NM_001256850.1); c.52611_52614del, p.Ile17537fs (NM_003319.4); c.72102_72105del, p.Ile24034fs (NM_133378.4); c.52986_52989del, p.Ile17662fs (NM_133432.3); c.53187_53190del, p.Ile17729fs (NM_133437.4); short protein forms I17537fs, I17729fs, I17662fs, I26602fs, I24034fs, I24961fs.
Identifiers: ClinVar variation 202474 (VCV000202474.12), dbSNP rs794729347, ClinGen allele CA309437.